The following is an entry in ClinVar:

NM_006379.5(SEMA3C):c.1852A>G (p.Asn618Asp)

Gene: SEMA3C (semaphorin 3C; minus strand). Cytogenetic location: 7q21.11.
Variant type: single nucleotide variant.
Coding change: c.1852A>G on transcript NM_006379.5 (MANE Select); coding-DNA position 1852, A replaced by G.
Protein change: p.Asn618Asp; replaces asparagine 618 with aspartic acid.
Molecular consequence: missense variant.
Genome position (GRCh38, 1-based): chr7:80,745,298, T>C on the plus strand (A>G on the coding strand, the complement: SEMA3C is on the minus strand). VCF-style: chr7-80745298-T-C. GRCh37 (hg19) VCF-style: chr7-80374614-T-C.
Other names: c.1906A>G, p.Asn636Asp (NM_001350120.2); c.1678A>G, p.Asn560Asp (NM_001350121.2); short protein forms N560D, N618D, N636D.
Identifiers: ClinVar variation 3357389 (VCV003357389.1).

ClinVar aggregate classification (germline): Uncertain significance (0 of 4 stars; one submission).

Conditions:
SEMA3C-related disorder. Also called: SEMA3C-related condition.

gnomAD v4.1: 6 of 1,613,206 alleles (0.00037%); highest among the groups gnomAD compares: African/African-American, 0.0013%; no homozygotes.

Submission:

PreventionGenetics, part of Exact Sciences
Classification: Uncertain significance for SEMA3C-related condition. Last evaluated: 2024-05-20. Review status: no assertion criteria provided. Collection method: clinical testing. Allele origin: germline.
Comment: The SEMA3C c.1906A>G variant is predicted to result in the amino acid substitution p.Asn636Asp. To our knowledge, this variant has not been reported in the literature. This variant is reported in 0.00088% of alleles in individuals of European (Non-Finnish) descent in gnomAD. At this time, the clinical significance of this variant is uncertain due to the absence of conclusive functional and genetic evidence.